The following is an entry in ClinVar:

NC_000005.10:g.112707392A>G

Gene: APC (APC regulator of Wnt signaling pathway; plus strand). Cytogenetic location: 5q22.2.
Variant type: single nucleotide variant.
Genome position: GRCh38 VCF-style: chr5-112707392-A-G. GRCh37 (hg19) VCF-style: chr5-112043089-A-G.
Identifiers: ClinVar variation 3649736 (VCV003649736.2).

ClinVar aggregate classification (germline): Uncertain significance (1 of 4 stars; one submission).

Conditions:
Familial adenomatous polyposis 1 (FAP1). Also called: FAMILIAL ADENOMATOUS POLYPOSIS 1, ATTENUATED; POLYPOSIS, ADENOMATOUS INTESTINAL. Identifiers: MedGen C2713442, MONDO:0021056, OMIM 175100. Disease mechanism: loss of function.

Submission:

Labcorp Genetics (formerly Invitae), Labcorp
Classification: Uncertain significance for Familial adenomatous polyposis 1. Last evaluated: 2024-04-13. Review status: criteria provided, single submitter. Criteria: Invitae Variant Classification Sherloc (09022015). Collection method: clinical testing. Allele origin: germline.
Comment: This variant occurs in a non-coding region of the APC gene. It does not change the encoded amino acid sequence of the APC protein. This variant is not present in population databases (gnomAD no frequency). This variant has not been reported in the literature in individuals affected with APC-related conditions. Experimental studies and prediction algorithms are not available or were not evaluated, and the functional significance of this variant is currently unknown. In summary, the available evidence is currently insufficient to determine the role of this variant in disease. Therefore, it has been classified as a Variant of Uncertain Significance.